The following is an entry in ClinVar:

ClinVar aggregate classification (germline): Conflicting classifications of pathogenicity. Review status: criteria provided, conflicting classifications (1 of 4 stars). 2 submissions from 2 submitters: Uncertain significance (1); Likely benign (1). Last evaluated 2024-10-07.

Conditions:
RASopathy. Also called: Noonan spectrum disorder; rasopathies. Identifiers: Orphanet 536391, MedGen C5555857, MONDO:0021060.

Submissions (2):

Blueprint Genetics
Classification: Likely benign. Last evaluated: 2024-10-07. Review status: criteria provided, single submitter. Criteria: ACMG Guidelines, 2015. Collection method: clinical testing. Allele origin: germline.

Labcorp Genetics (formerly Invitae), Labcorp
Classification: Uncertain significance for RASopathy. Last evaluated: 2024-07-22. Review status: criteria provided, single submitter. Criteria: Invitae Variant Classification Sherloc (09022015). Collection method: clinical testing. Allele origin: germline.
Comment: This sequence change falls in intron 14 of the RAF1 gene. It does not directly change the encoded amino acid sequence of the RAF1 protein. This variant is present in population databases (rs754692271, gnomAD 0.003%). This variant has not been reported in the literature in individuals affected with RAF1-related conditions. ClinVar contains an entry for this variant (Variation ID: 1896668). In summary, the available evidence is currently insufficient to determine the role of this variant in disease. Therefore, it has been classified as a Variant of Uncertain Significance.

NM_002880.4(RAF1):c.1537-32_1537-8dup

Gene: RAF1 (Raf-1 proto-oncogene, serine/threonine kinase; minus strand). Cytogenetic location: 3p25.2.
Variant type: Duplication.
Coding change: c.1537-32_1537-8dup on transcript NM_002880.4 (MANE Select); 32 bases into the intron before coding-DNA position 1537 through 8 bases into the intron before coding-DNA position 1537, 25 bases duplicated (AATGCACTTTTGTCATATGGTGATA).
Molecular consequence: intron variant.
Genome position (GRCh38, 1-based): chr3:12,585,261-12,585,285, TATCACCATATGACAAAAGTGCATT duplicated on the plus strand (AATGCACTTTTGTCATATGGTGATA on the coding strand, the reverse complement: RAF1 is on the minus strand); duplicating any 25 consecutive bases within chr3:12,585,261-12,585,300 gives the same sequence; the c. name uses the placement nearest the transcript's 3' end. VCF-style (leftmost placement, unchanged base first): chr3-12585260-G-GTATCACCATATGACAAAAGTGCATT. GRCh37 (hg19) VCF-style: chr3-12626759-G-GTATCACCATATGACAAAAGTGCATT.
Other names: c.1195-32_1195-8dup (NM_001354695.3); c.1294-32_1294-8dup (NM_001354692.3, NM_001354691.3); c.1354-32_1354-8dup (NM_001354694.3); c.1438-32_1438-8dup (NM_001354693.3); c.1597-32_1597-8dup (NM_001354689.3); c.1537-32_1537-8dup (NM_001354690.3).
Identifiers: ClinVar variation 1896668 (VCV001896668.6), dbSNP rs754692271, ClinGen allele CA2259472.
Genomic context (GRCh38, chr3:12,585,260, plus strand): 5'-ATCCGACTGGAAACTGAATGGGTTGTTATCCTGCATTCGGATCACCTCTGGGGCCTACAT[G>GTATCACCATATGACAAAAGTGCATT]TATCACCATATGACAAAAGTGCATTTATCACCATATGACAGGCCTCACAGACATCTAGGG-3'